The following is an entry in ClinVar:

ClinVar aggregate classification (germline): Pathogenic. Review status: reviewed by expert panel (3 of 4 stars). 8 submissions from 8 submitters: Pathogenic (1). 7 of the submissions do not count toward it. Last evaluated 2016-09-08.

Conditions:
Hereditary cancer-predisposing syndrome. Also called: Hereditary Cancer Syndrome; Hereditary neoplastic syndrome; Neoplastic Syndromes, Hereditary; Tumor predisposition. Identifiers: Orphanet 140162, MedGen C0027672, MeSH D009386, MONDO:0015356.
Breast-ovarian cancer, familial, susceptibility to, 1 (BROVCA1). Also called: BRCA1 Hereditary Breast and Ovarian Cancer; OVARIAN CANCER, SUSCEPTIBILITY TO. Identifiers: Orphanet 145, MedGen C2676676, MONDO:0011450, OMIM 604370. Disease mechanism: loss of function.
Hereditary breast ovarian cancer syndrome. Also called: BRCA1- and BRCA2-Associated Hereditary Breast and Ovarian Cancer; Hereditary breast and ovarian cancer syndrome; Hereditary breast and ovarian cancer syndrome (HBOC); Breast and ovarian cancer; Hereditary breast and/or ovarian cancer syndrome; Hereditary breast and ovarian cancer. Identifiers: Orphanet 145, MedGen C0677776, MeSH D061325, MONDO:0003582. Disease mechanism: loss of function.

Submissions (8):

Evidence-based Network for the Interpretation of Germline Mutant Alleles (ENIGMA)
Classification: Pathogenic for Breast-ovarian cancer, familial, susceptibility to, 1. Last evaluated: 2016-09-08. Review status: reviewed by expert panel. Criteria: ENIGMA BRCA1/2 Classification Criteria (2015). Collection method: curation. Allele origin: germline.
Comment: Variant allele predicted to encode a truncated non-functional protein.

Labcorp Genetics (formerly Invitae), Labcorp
Classification: Pathogenic for Hereditary breast ovarian cancer syndrome. Last evaluated: 2024-04-30. Review status: criteria provided, single submitter. Criteria: Invitae Variant Classification Sherloc (09022015). Collection method: clinical testing. Allele origin: germline. Not counted in ClinVar's aggregate classification.
Comment: This sequence change creates a premature translational stop signal (p.Leu28Argfs*12) in the BRCA1 gene. It is expected to result in an absent or disrupted protein product. Loss-of-function variants in BRCA1 are known to be pathogenic (PMID: 20104584). This variant is not present in population databases (gnomAD no frequency). This premature translational stop signal has been observed in individual(s) with breast cancer (PMID: 18645608, 20104584, 22684231). ClinVar contains an entry for this variant (Variation ID: 55733). For these reasons, this variant has been classified as Pathogenic.

Women's Health and Genetics/Laboratory Corporation of America, LabCorp
Classification: Pathogenic for Hereditary breast ovarian cancer syndrome. Last evaluated: 2023-03-24. Review status: criteria provided, single submitter. Criteria: LabCorp Variant Classification Summary - May 2015. Collection method: clinical testing. Allele origin: germline. Not counted in ClinVar's aggregate classification.
Comment: Variant summary: BRCA1 c.83_84delTG (p.Leu28ArgfsX12) results in a premature termination codon, predicted to cause a truncation of the encoded protein or absence of the protein due to nonsense mediated decay, which are commonly known mechanisms for disease. Truncations downstream of this position have been classified as pathogenic by our laboratory. The variant was absent in 250508 control chromosomes (gnomAD). c.83_84delTG has been reported in the literature in multiple individuals affected with Hereditary Breast And Ovarian Cancer (example: Gaceb_2018 and Rebbeck_2018). These data indicate that the variant is very likely to be associated with disease. Five submitters (including an expert panel - ENIGMA) have provided clinical-significance assessments for this variant to ClinVar after 2014 and classified the variant as pathogenic. Based on the evidence outlined above, the variant was classified as pathogenic.

Ambry Genetics
Classification: Pathogenic for Hereditary cancer-predisposing syndrome. Last evaluated: 2022-10-06. Review status: criteria provided, single submitter. Criteria: Ambry Variant Classification Scheme 2023. Collection method: clinical testing. Allele origin: germline. Not counted in ClinVar's aggregate classification.
Comment: The c.83_84delTG pathogenic mutation, located in coding exon 2 of the BRCA1 gene, results from a deletion of two nucleotides at nucleotide positions 83 to 84, causing a translational frameshift with a predicted alternate stop codon (p.L28Rfs*12). This alteration has been reported in multiple Algerian families diagnosed with hereditary breast and/or ovarian cancer syndrome (HBOC) (Uhrhammer N et al. Int J Med Sci. 2008; 5(4):197-202; Cherbal F et al. Dis. Markers. 2010; 28(6):377-84). In addition to the clinical data presented in the literature, this alteration is expected to result in loss of function by premature protein truncation or nonsense-mediated mRNA decay. As such, this alteration is interpreted as a disease-causing mutation.

Consortium of Investigators of Modifiers of BRCA1/2 (CIMBA), c/o University of Cambridge
Classification: Pathogenic for Breast-ovarian cancer, familial, susceptibility to, 1. Last evaluated: 2015-10-02. Review status: criteria provided, single submitter. Criteria: CIMBA Mutation Classification guidelines May 2016. Collection method: clinical testing. Allele origin: germline. Not counted in ClinVar's aggregate classification.

University of Science and Technology Houari Boumediene, Laboratory of Molecular and Cellular Biology (LBCM)
Classification: Pathogenic for Breast-ovarian cancer, familial, susceptibility to, 1. Review status: criteria provided, single submitter. Criteria: ACMG Guidelines, 2015. Collection method: clinical testing. Allele origin: germline. Inheritance: Autosomal dominant inheritance. Affected: yes. Observed: 3 heterozygotes. Not counted in ClinVar's aggregate classification.

Counsyl
Classification: Pathogenic for Breast-ovarian cancer, familial, susceptibility to, 1. Last evaluated: 2018-04-02. Review status: no assertion criteria provided. Collection method: clinical testing. Allele origin: unknown. Not counted in ClinVar's aggregate classification.

Breast Cancer Information Core (BIC) (BRCA1)
Classification: Pathogenic for Breast-ovarian cancer, familial 1. Last evaluated: 2004-02-20. Review status: no assertion criteria provided. Collection method: clinical testing. Allele origin: germline. Affected: yes. Observed: 1 variant allele. Not counted in ClinVar's aggregate classification.

Literature cited by the submitters: PubMed 20104584 (cited by Labcorp Genetics (formerly Invitae), Labcorp); PubMed 18645608 (cited by 3 submitters); PubMed 22684231 (cited by Labcorp Genetics (formerly Invitae), Labcorp); PubMed 29446198 (cited by Women's Health and Genetics/Laboratory Corporation of America, LabCorp); PubMed 28478614 (cited by Women's Health and Genetics/Laboratory Corporation of America, LabCorp and University of Science and Technology Houari Boumediene, Laboratory of Molecular and Cellular Biology (LBCM)); PubMed 20683152 (cited by Ambry Genetics and Counsyl).

NM_007294.4(BRCA1):c.83_84del (p.Leu28fs)

Gene: BRCA1 (BRCA1 DNA repair associated; minus strand). Cytogenetic location: 17q21.31.
Variant type: Deletion.
Coding change: c.83_84del on transcript NM_007294.4 (MANE Select); coding-DNA positions 83 to 84, 2 bases deleted (TG; older notation c.83_84delTG).
Protein change: p.Leu28fs; shifts the reading frame from leucine 28.
Molecular consequence: frameshift variant. On other transcripts: non-coding transcript variant (1), intron variant (1).
Genome position (GRCh38, 1-based): chr17:43,115,776-43,115,777, CA deleted on the plus strand (TG on the coding strand, the reverse complement: BRCA1 is on the minus strand). VCF-style (leftmost placement, unchanged base first): chr17-43115775-CCA-C. GRCh37 (hg19) VCF-style: chr17-41267792-CCA-C.
Other names: 202delTG; c.83_84delTG, p.Leu28Argfs (NM_001407605.1, NM_001407610.1, NM_001407611.1 and 190 more transcripts); c.-175_-174delTG (NM_001407694.1, NM_001407696.1, NM_001407724.1 and 13 more transcripts); c.-179_-178delTG (NM_001407695.1, NM_001408465.1); c.-59_-58delTG (NM_001407697.1, NM_001407725.1, NM_001407728.1 and 47 more transcripts); c.-55_-54delTG (NM_001407841.1); c.-106_-105delTG (NM_001407853.1, NM_001407879.1, NM_001407882.1 and 52 more transcripts); c.-222_-221delTG (NM_001407889.1, NM_001407900.1, NM_001408492.1); and 4 more; short protein forms L28fs.
Identifiers: ClinVar variation 55733 (VCV000055733.21), dbSNP rs80357728, ClinGen allele CA003931.